The following is an entry in ClinVar:

NM_015981.4(CAMK2A):c.184C>T (p.Arg62Cys)

Gene: CAMK2A (calcium/calmodulin dependent protein kinase II alpha; minus strand). Cytogenetic location: 5q32.
Variant type: single nucleotide variant.
Coding change: c.184C>T on transcript NM_015981.4 (MANE Select); coding-DNA position 184, C replaced by T.
Protein change: p.Arg62Cys; replaces arginine 62 with cysteine.
Molecular consequence: missense variant.
Genome position (GRCh38, 1-based): chr5:150,264,989, G>A on the plus strand (C>T on the coding strand, the complement: CAMK2A is on the minus strand). VCF-style: chr5-150264989-G-A. GRCh37 (hg19) VCF-style: chr5-149644552-G-A.
Other names: c.184C>T, p.Arg62Cys (NM_001363989.1, NM_001363990.1, NM_001369025.2 and 1 more transcripts); c.184C>T (NM_015981.3); short protein forms R62C.
Identifiers: ClinVar variation 4084742 (VCV004084742.9).
Genomic context (GRCh38, chr5:150,264,989, plus strand): 5'-GCGCCCCTCTCATCCCACAAGGCTCACCGATGTTGGGGTGCTTCAGCAGGCGGCAGATGC[G>A]GGCTTCACGCTCCAGCTTCTGATGGTCTGAAACACAGAGGCTCATGTGAGTCCCCGGTGA-3'
Protein context (NP_057065.2, residues 52-72): RDHQKLEREA[Arg62Cys]ICRLLKHPNI

ClinVar aggregate classification (germline): Conflicting classifications of pathogenicity. Review status: criteria provided, conflicting classifications (1 of 4 stars). 2 submissions from 2 submitters: Uncertain significance (1); Likely benign (1). Last evaluated 2025-08-05.

Conditions:
Inborn genetic diseases. Identifiers: MedGen C0950123, MeSH D030342.

gnomAD v4.1: 7 of 1,613,870 alleles (0.00043%); highest among the groups gnomAD compares: Admixed American, 0.0017%; no homozygotes.

Submissions (2):

Ambry Genetics
Classification: Likely benign for Inborn genetic diseases. Last evaluated: 2025-08-05. Review status: criteria provided, single submitter. Criteria: Ambry Variant Classification Scheme 2023. Collection method: clinical testing. Allele origin: germline.

CeGaT Center for Human Genetics Tuebingen
Classification: Uncertain significance. Last evaluated: 2025-07-01. Review status: criteria provided, single submitter. Criteria: CeGaT Center For Human Genetics Tuebingen Variant Classification Criteria Version 2. Collection method: clinical testing. Allele origin: germline. Affected: yes. Observed: 1 variant allele.
Comment: CAMK2A: PP2